The following is an entry in ClinVar:

NM_138395.4(MARS2):c.462T>G (p.Leu154=)

Gene: MARS2 (methionyl-tRNA synthetase 2, mitochondrial; plus strand). Cytogenetic location: 2q33.1.
Variant type: single nucleotide variant.
Coding change: c.462T>G on transcript NM_138395.4 (MANE Select); coding-DNA position 462, T replaced by G.
Protein change: p.Leu154=; no amino-acid change (leucine 154 retained).
Molecular consequence: synonymous variant.
Genome position (GRCh38, 1-based): chr2:197,705,867, T>G. VCF-style: chr2-197705867-T-G. GRCh37 (hg19) VCF-style: chr2-198570591-T-G.
Identifiers: ClinVar variation 4711348 (VCV004711348.1).

ClinVar aggregate classification (germline): Uncertain significance (1 of 4 stars; one submission).

Submission:

Labcorp Genetics (formerly Invitae), Labcorp
Classification: Uncertain significance. Last evaluated: 2025-08-29. Review status: criteria provided, single submitter. Criteria: Invitae Variant Classification Sherloc (09022015). Collection method: clinical testing. Allele origin: germline.
Comment: This sequence change affects codon 154 of the MARS2 mRNA. It is a 'silent' change, meaning that it does not change the encoded amino acid sequence of the MARS2 protein. This variant is present in population databases (no rsID available, gnomAD 0.003%). This variant has not been reported in the literature in individuals affected with MARS2-related conditions. In summary, the available evidence is currently insufficient to determine the role of this variant in disease. Therefore, it has been classified as a Variant of Uncertain Significance.